The following is an entry in ClinVar:

ClinVar aggregate classification (germline): Uncertain significance. Review status: criteria provided, multiple submitters, no conflicts (2 of 4 stars). 2 submissions from 2 submitters: Uncertain significance (2). Last evaluated 2024-09-04.

Conditions:
Mitochondrial DNA depletion syndrome, encephalomyopathic form with methylmalonic aciduria (MTDPS5). Also called: Mitochondrial encephalomyopathy aminoacidopathy; MITOCHONDRIAL DNA DEPLETION SYNDROME, ENCEPHALOMYOPATHIC FORM, WITH OR WITHOUT METHYLMALONIC ACIDURIA, AUTOSOMAL RECESSIVE, SUCLA2-RELATED; Mitochondrial DNA depletion syndrome 5 (encephalomyopathic with or without methylmalonic aciduria); SUCLA2-Related Mitochondrial DNA Depletion Syndrome, Encephalomyopathic Form with Methylmalonic Aciduria. Identifiers: Orphanet 1933, MedGen C5980207, MONDO:0012791, OMIM 612073.

Submissions (2):

3billion
Classification: Uncertain significance for Mitochondrial DNA depletion syndrome, encephalomyopathic form with methylmalonic aciduria. Last evaluated: 2024-09-04. Review status: criteria provided, single submitter. Criteria: ACMG Guidelines, 2015. Collection method: clinical testing. Allele origin: germline. Affected: yes.
Comment: The variant is not observed in the gnomAD v4.0.0 dataset. Predicted Consequence/Location: Missense variant In silico tool predictions suggest damaging effect of the variant on gene or gene product [REVEL: 0.66 (>=0.6, sensitivity 0.68 and specificity 0.92)]. A different missense change at the same codon (p.Cys152Arg) has been reported to be associated with SUCLA2 related disorder (PMID: 19748572). However the evidence of pathogenicity is insufficient at this time. Therefore, this variant is classified as VUS according to the recommendation of ACMG/AMP guideline.

Revvity Omics, Revvity
Classification: Uncertain significance for Mitochondrial DNA depletion syndrome, encephalomyopathic form with methylmalonic aciduria. Last evaluated: 2022-03-06. Review status: criteria provided, single submitter. Criteria: ACMG Guidelines, 2015. Collection method: clinical testing. Allele origin: germline.

Literature cited by the submitters: PubMed 19748572 (cited by 3billion).

NM_003850.3(SUCLA2):c.455G>A (p.Cys152Tyr)

Gene: SUCLA2 (succinate-CoA ligase ADP-forming subunit beta; minus strand). Cytogenetic location: 13q14.2.
Variant type: single nucleotide variant.
Coding change: c.455G>A on transcript NM_003850.3 (MANE Select); coding-DNA position 455, G replaced by A.
Protein change: p.Cys152Tyr; replaces cysteine 152 with tyrosine.
Molecular consequence: missense variant.
Genome position (GRCh38, 1-based): chr13:47,988,620, C>T on the plus strand (G>A on the coding strand, the complement: SUCLA2 is on the minus strand). VCF-style: chr13-47988620-C-T. GRCh37 (hg19) VCF-style: chr13-48562755-C-T.
Other names: short protein forms C152Y.
Identifiers: ClinVar variation 2436519 (VCV002436519.4), dbSNP rs2541707487, ClinGen allele CA388150608.
Genomic context (GRCh38, chr13:47,988,620, plus strand): 5'-GTTATTGCAAAGTAGTATTCTCTCCTGGGATATTTTCGCTCACAGACCAATACTTGATTG[C>T]ATATTCTGCCCTTTTCTCCCGTTTGCTTGGTAAACAATTTTTTCCCAATCATTTGTGAAG-3'
Protein context (NP_003841.1, residues 142-162): TKQTGEKGRI[Cys152Tyr]NQVLVCERKY